The following is an entry in ClinVar:

NM_000059.4(BRCA2):c.3865A>G (p.Lys1289Glu)

Gene: BRCA2 (BRCA2 DNA repair associated; plus strand). Cytogenetic location: 13q13.1.
Variant type: single nucleotide variant.
Coding change: c.3865A>G on transcript NM_000059.4 (MANE Select); coding-DNA position 3865, A replaced by G.
Protein change: p.Lys1289Glu; replaces lysine 1289 with glutamic acid.
Molecular consequence: missense variant.
Genome position (GRCh38, 1-based): chr13:32,338,220, A>G. VCF-style: chr13-32338220-A-G. GRCh37 (hg19) VCF-style: chr13-32912357-A-G.
Other names: short protein forms K1289E.
Identifiers: ClinVar variation 185122 (VCV000185122.25), dbSNP rs786201943, ClinGen allele CA019026.
Genomic context (GRCh38, chr13:32,338,220, plus strand): 5'-GTTGTTTCAATGTTTAAGATAGAAAATCATAATGATAAAACTGTAAGTGAAAAAAATAAT[A>G]AATGCCAACTGATATTACAAAATAATATTGAAATGACTACTGGCACTTTTGTTGAAGAAA-3'
Protein context (NP_000050.3, residues 1279-1299): NDKTVSEKNN[Lys1289Glu]CQLILQNNIE

ClinVar aggregate classification (germline): Conflicting classifications of pathogenicity. Review status: criteria provided, conflicting classifications (1 of 4 stars). 8 submissions from 8 submitters: Uncertain significance (4); Likely benign (3). 1 of the submissions does not count toward it. Last evaluated 2025-10-13.

Conditions:
BRCA2-related cancer predisposition. Identifiers: MedGen CN377758, MONDO:0700269.
Hereditary cancer-predisposing syndrome. Also called: Tumor predisposition; Hereditary Cancer Syndrome; Hereditary neoplastic syndrome; Neoplastic Syndromes, Hereditary. Identifiers: Orphanet 140162, MedGen C0027672, MeSH D009386, MONDO:0015356.
Hereditary breast ovarian cancer syndrome. Also called: Breast and ovarian cancer; Hereditary breast and ovarian cancer syndrome; Hereditary breast and ovarian cancer; BRCA1- and BRCA2-Associated Hereditary Breast and Ovarian Cancer; Hereditary breast and ovarian cancer syndrome (HBOC); Hereditary breast and/or ovarian cancer syndrome. Identifiers: Orphanet 145, MedGen C0677776, MeSH D061325, MONDO:0003582. Disease mechanism: loss of function.
Breast-ovarian cancer, familial, susceptibility to, 2 (BROVCA2). Also called: BRCA2 Hereditary Breast and Ovarian Cancer. Identifiers: Orphanet 145, MedGen C2675520, MONDO:0012933, OMIM 612555. Disease mechanism: loss of function.

Allele frequency attached by ClinVar (database versions not stated): gnomAD exomes below 0.00001 and 0.00001.
gnomAD v4.1: 3 of 1,541,432 alleles (0.00019%); highest among the groups gnomAD compares: Non-Finnish European, 0.00026%; no homozygotes.

Submissions (8):

Labcorp Genetics (formerly Invitae), Labcorp
Classification: Likely benign for Hereditary breast ovarian cancer syndrome. Last evaluated: 2025-10-13. Review status: criteria provided, single submitter. Criteria: Invitae Variant Classification Sherloc (09022015). Collection method: clinical testing. Allele origin: germline.

Molecular Diagnostics Laboratory, Catalan Institute of Oncology
Classification: Likely benign for Hereditary cancer-predisposing syndrome. Last evaluated: 2025-05-25. Review status: criteria provided, single submitter. Criteria: ClinGen BRCA1BRCA2 ACMG Specifications BRCA2 V1.0.0. Collection method: clinical testing. Allele origin: germline.
Comment: BP1_Strong, BP5 c.3865A>G, located in exon 11 of the BRCA2 gene, is predicted to result in the substitution of Lysine by Glutamic acid at codon 1289, p.(Lys1289Glu). This position is outside a (potentially) clinically important functional domain and, moreover, the SpliceAI algorithm predicts no significant impact on splicing (BP1_strong). This variant is found in 1/214357 alleles at a frequency of 0.0004% in the gnomAD v2.1.1 database, non-cancer dataset. This alteration was classified as a benign variant in a multifactorial likelihood analysis showing a Combined LR for clinical data indicative of strong evidence towards benign (LR 0.25), based on co-occurrence LR 1.025 and family history LR 0.247 (PMID: 31131967) (BP5). To our knowledge, neither relevant clinical data nor well-stablished functional studies have been reported for this variant. It has been reported in ClinVar (3x VUS, 3x LB) and BRCA Exchange (not yet reviewed). Based on the currently available information, c.3865A>G is classified as a likely benign variant according to ClinGen-BRCA2 Guidelines version 1.

Ambry Genetics
Classification: Uncertain significance for Hereditary cancer-predisposing syndrome. Last evaluated: 2024-05-12. Review status: criteria provided, single submitter. Criteria: Ambry Variant Classification Scheme 2023. Collection method: clinical testing. Allele origin: germline.
Comment: The p.K1289E variant (also known as c.3865A>G), located in coding exon 10 of the BRCA2 gene, results from an A to G substitution at nucleotide position 3865. The lysine at codon 1289 is replaced by glutamic acid, an amino acid with similar properties. This amino acid position is well conserved in available vertebrate species. In addition, this alteration is predicted to be tolerated by in silico analysis. Since supporting evidence is limited at this time, the clinical significance of this alteration remains unclear.

All of Us Research Program, National Institutes of Health
Classification: Uncertain significance for BRCA2-related cancer predisposition. Last evaluated: 2024-03-05. Review status: criteria provided, single submitter. Criteria: ACMG Guidelines, 2015. Collection method: clinical testing. Allele origin: germline. Inheritance: Autosomal dominant inheritance. Observed: 1 variant allele, 1 heterozygote.
Comment: This missense variant replaces lysine with glutamic acid at codon 1289 of the BRCA2 protein. Computational prediction tools and conservation analyses suggest that this variant may not impact the protein function. Computational splicing tools suggest that this variant may not impact RNA splicing. To our knowledge, functional assays have not been performed for this variant nor has this variant been reported in individuals affected with hereditary cancer in the literature. This variant has been identified in 1/195900 chromosomes in the general population by the Genome Aggregation Database (gnomAD). Available evidence is insufficient to determine the role of this variant in disease conclusively. Therefore, this variant is classified as a Variant of Uncertain Significance.

This study involves interpretation of variants in research participants for the purpose of population health screening. Participant phenotype was not available at the time of variant classification. Additional details can be found in publication PMID: 35346344, PMCID: PMC8962531

Color Diagnostics, LLC DBA Color Health
Classification: Uncertain significance for Hereditary cancer-predisposing syndrome. Last evaluated: 2023-10-31. Review status: criteria provided, single submitter. Criteria: ACMG Guidelines, 2015. Collection method: clinical testing. Allele origin: germline.
Comment: This missense variant replaces lysine with glutamic acid at codon 1289 of the BRCA2 protein. Computational prediction suggests that this variant may not impact protein structure and function (internally defined REVEL score threshold <= 0.5, PMID: 27666373). To our knowledge, functional studies have not been reported for this variant. This variant has been reported in a multifactorial analysis with co-occurrence and family history likelihood ratios for pathogenicity of 1.0246 and 0.247, respectively (PMID: 31131967) and in an individual affected with ovarian cancer (PMID: 33273034). This variant has been identified in 1/195900 chromosomes in the general population by the Genome Aggregation Database (gnomAD). The available evidence is insufficient to determine the role of this variant in disease conclusively. Therefore, this variant is classified as a Variant of Uncertain Significance.

University of Washington Department of Laboratory Medicine, University of Washington
Classification: Likely benign for Hereditary cancer-predisposing syndrome. Last evaluated: 2023-03-23. Review status: criteria provided, single submitter. Criteria: Dines et al. (Genet Med. 2020). Collection method: curation. Allele origin: germline.
Comment: Missense variant in a coldspot region where missense variants are very unlikely to be pathogenic (PMID:31911673).

BRCA2 exon 11 coldspot. Reclassification based on statistical prior probability.

Quest Diagnostics Nichols Institute San Juan Capistrano
Classification: Uncertain significance. Last evaluated: 2018-06-27. Review status: criteria provided, single submitter. Criteria: Quest Diagnostics criteria. Collection method: clinical testing. Allele origin: germline.

Department of Medical and Surgical Sciences, University of Bologna
Classification: Likely benign for Breast-ovarian cancer, familial, susceptibility to, 2. Last evaluated: 2023-09-01. Review status: no assertion criteria provided. Collection method: clinical testing. Allele origin: germline. Affected: yes. Not counted in ClinVar's aggregate classification.
Comment: PM2(Supporting)+BP1(Strong)+BP5(Supporting) according to ACMG/AMP classification guidelines specified for BRCA1 & BRCA2 (Classification Criteria V1.0.0 2023-09-08) (PMID: 38160042)

Literature cited by the submitters: PubMed 31131967 (cited by Color Diagnostics, LLC DBA Color Health); PubMed 33273034 (cited by Color Diagnostics, LLC DBA Color Health).